The following is an entry in ClinVar:

NM_020812.4(DOCK6):c.4191G>C (p.Glu1397Asp)

Genes: DOCK6 (dedicator of cytokinesis 6; minus strand), DOCK6-AS1 (DOCK6 antisense RNA 1; plus strand). Cytogenetic location: 19p13.2.
Variant type: single nucleotide variant.
Coding change: c.4191G>C on transcript NM_020812.4 (MANE Select); coding-DNA position 4191, G replaced by C.
Protein change: p.Glu1397Asp; replaces glutamic acid 1397 with aspartic acid.
Molecular consequence: missense variant.
Genome position (GRCh38, 1-based): chr19:11,214,565, C>G on the plus strand (G>C on the coding strand, the complement: DOCK6 is on the minus strand). VCF-style: chr19-11214565-C-G. GRCh37 (hg19) VCF-style: chr19-11325241-C-G.
Other names: c.4296G>C, p.Glu1432Asp (NM_001367830.1); short protein forms E1432D, E1397D.
Identifiers: ClinVar variation 1972151 (VCV001972151.5), dbSNP rs2512997025, ClinGen allele CA404083977.

ClinVar aggregate classification (germline): Uncertain significance (1 of 4 stars; one submission).

Allele frequency attached by ClinVar (database versions not stated): gnomAD exomes below 0.00001.
gnomAD v4.1: 1 of 1,613,936 alleles (0.000062%); highest among the groups gnomAD compares: Non-Finnish European, 0.000085%; no homozygotes.

Submission:

Labcorp Genetics (formerly Invitae), Labcorp
Classification: Uncertain significance. Last evaluated: 2022-09-01. Review status: criteria provided, single submitter. Criteria: Invitae Variant Classification Sherloc (09022015). Collection method: clinical testing. Allele origin: germline.
Comment: This sequence change replaces glutamic acid, which is acidic and polar, with aspartic acid, which is acidic and polar, at codon 1397 of the DOCK6 protein (p.Glu1397Asp). This variant is not present in population databases (gnomAD no frequency). In summary, the available evidence is currently insufficient to determine the role of this variant in disease. Therefore, it has been classified as a Variant of Uncertain Significance. Algorithms developed to predict the effect of missense changes on protein structure and function (SIFT, PolyPhen-2, Align-GVGD) all suggest that this variant is likely to be tolerated. This variant has not been reported in the literature in individuals affected with DOCK6-related conditions.